The following is an entry in ClinVar:

ClinVar aggregate classification (germline): Conflicting classifications of pathogenicity. Review status: criteria provided, conflicting classifications (1 of 4 stars). 6 submissions from 6 submitters: Uncertain significance (5); Likely benign (1). Last evaluated 2025-11-19.

Conditions:
Inborn genetic diseases. Identifiers: MedGen C0950123, MeSH D030342.
Congenital myasthenic syndrome 20. Also called: Myasthenic syndrome, congenital, 20, presynaptic. Identifiers: MedGen C4310694, MONDO:0014939, OMIM 617143.
Neuronopathy, distal hereditary motor, type 7A. Also called: NEURONOPATHY, DISTAL HEREDITARY MOTOR, HARDING TYPE VIIA; NEUROPATHY, DISTAL HEREDITARY MOTOR, HARDING TYPE VIIA; Neuronopathy, distal hereditary motor, autosomal dominant 7; SPINAL MUSCULAR ATROPHY, DISTAL, WITH VOCAL CORD PARALYSIS; Neuronopathy, distal hereditary motor, type viia; HARPER-YOUNG MYOPATHY. Identifiers: Orphanet 139589, MedGen C1834703, MONDO:0008024, OMIM 158580.

Allele frequency attached by ClinVar (database versions not stated): 1000 Genomes Project 30x 0.00016; gnomAD 0.00017; 1000 Genomes Project 0.00020; TOPMed 0.00020; ESP Exome Variant Server 0.00054; ExAC 0.00017.
gnomAD v4.1: 213 of 1,613,898 alleles (0.013%); highest among the groups gnomAD compares: African/African-American, 0.039%; no homozygotes.

Submissions (6):

Labcorp Genetics (formerly Invitae), Labcorp
Classification: Uncertain significance for Neuronopathy, distal hereditary motor, type 7A; Congenital myasthenic syndrome 20. Last evaluated: 2025-11-19. Review status: criteria provided, single submitter. Criteria: Invitae Variant Classification Sherloc (09022015). Collection method: clinical testing. Allele origin: germline.
Comment: This sequence change replaces valine, which is neutral and non-polar, with methionine, which is neutral and non-polar, at codon 436 of the SLC5A7 protein (p.Val436Met). This variant is present in population databases (rs148535388, gnomAD 0.06%). This variant has not been reported in the literature in individuals affected with SLC5A7-related conditions. ClinVar contains an entry for this variant (Variation ID: 440281). Invitae Evidence Modeling of protein sequence and biophysical properties (such as structural, functional, and spatial information, amino acid conservation, physicochemical variation, residue mobility, and thermodynamic stability) indicates that this missense variant is not expected to disrupt SLC5A7 protein function with a negative predictive value of 80%. In summary, the available evidence is currently insufficient to determine the role of this variant in disease. Therefore, it has been classified as a Variant of Uncertain Significance.

GeneDx
Classification: Uncertain significance. Last evaluated: 2025-10-28. Review status: criteria provided, single submitter. Criteria: GeneDx Variant Classification Process June 2021. Collection method: clinical testing. Allele origin: germline.
Comment: In silico analysis suggests that this missense variant does not alter protein structure/function; Has not been previously published as pathogenic or benign to our knowledge

ARUP Laboratories, Molecular Genetics and Genomics, ARUP Laboratories
Classification: Uncertain significance. Last evaluated: 2023-04-28. Review status: criteria provided, single submitter. Criteria: ARUP Molecular Germline Variant Investigation Process 2024. Collection method: clinical testing. Allele origin: germline.
Comment: The SLC5A7 c.1306G>A; p.Val436Met variant (rs148535388), to our knowledge, is not reported in the medical literature but is reported in ClinVar (Variation ID: 440281). This variant is observed in the general population with an overall allele frequency of 0.01% (31/282574 alleles) in the Genome Aggregation Database. Computational analyses are uncertain whether this variant is neutral or deleterious (REVEL: 0.22). Due to limited information, the clinical significance of this variant is uncertain at this time.

Mayo Clinic Laboratories, Mayo Clinic
Classification: Uncertain significance. Last evaluated: 2020-11-02. Review status: criteria provided, single submitter. Criteria: ACMG Guidelines, 2015. Collection method: clinical testing. Allele origin: germline. Observed: 2 variant alleles.

Ambry Genetics
Classification: Likely benign for Inborn genetic diseases. Last evaluated: 2020-07-21. Review status: criteria provided, single submitter. Criteria: Ambry Variant Classification Scheme 2023. Collection method: clinical testing. Allele origin: germline.

Fulgent Genetics
Classification: Uncertain significance for Neuronopathy, distal hereditary motor, type 7A; Congenital myasthenic syndrome 20. Last evaluated: 2018-10-31. Review status: criteria provided, single submitter. Criteria: ACMG Guidelines, 2015. Collection method: clinical testing. Allele origin: unknown.

NM_021815.5(SLC5A7):c.1306G>A (p.Val436Met)

Gene: SLC5A7 (solute carrier family 5 member 7; plus strand). Cytogenetic location: 2q12.3.
Variant type: single nucleotide variant.
Coding change: c.1306G>A on transcript NM_021815.5 (MANE Select); coding-DNA position 1306, G replaced by A.
Protein change: p.Val436Met; replaces valine 436 with methionine.
Molecular consequence: missense variant.
Genome position (GRCh38, 1-based): chr2:108,010,424, G>A. VCF-style: chr2-108010424-G-A. GRCh37 (hg19) VCF-style: chr2-108626880-G-A.
Other names: c.1306G>A, p.Val436Met (NM_001305005.3); c.991G>A, p.Val331Met (NM_001305006.3); c.565G>A, p.Val189Met (NM_001305007.3); short protein forms V436M, V189M, V331M.
Identifiers: ClinVar variation 440281 (VCV000440281.25), dbSNP rs148535388, ClinGen allele CA1819161.
Genomic context (GRCh38, chr2:108,010,424, plus strand): 5'-GTTATCTTCCCCCAGCTGCTTTGTGTACTCTTTGTTAAGGGAACCAACACCTATGGGGCC[G>A]TGGCAGGTTATGTTTCTGGCCTCTTCCTGAGAATAACTGGAGGGGAGCCATATCTGTATC-3'
Protein context (NP_068587.1, residues 426-446): FVKGTNTYGA[Val436Met]AGYVSGLFLR